The following is an entry in ClinVar:

ClinVar aggregate classification (germline): Uncertain significance (1 of 4 stars; one submission).

Submission:

CeGaT Center for Human Genetics Tuebingen
Classification: Uncertain significance. Last evaluated: 2023-08-01. Review status: criteria provided, single submitter. Criteria: CeGaT Center For Human Genetics Tuebingen Variant Classification Criteria Version 2. Collection method: clinical testing. Allele origin: germline. Affected: yes. Observed: 1 variant allele.
Comment: TDRD6: PM2

NM_001010870.3(TDRD6):c.451C>T (p.Pro151Ser)

Gene: TDRD6 (tudor domain containing 6; plus strand). Cytogenetic location: 6p12.3.
Variant type: single nucleotide variant.
Coding change: c.451C>T on transcript NM_001010870.3 (MANE Select); coding-DNA position 451, C replaced by T.
Protein change: p.Pro151Ser; replaces proline 151 with serine.
Molecular consequence: missense variant.
Genome position (GRCh38, 1-based): chr6:46,688,579, C>T. VCF-style: chr6-46688579-C-T. GRCh37 (hg19) VCF-style: chr6-46656316-C-T.
Other names: c.451C>T, p.Pro151Ser (NM_001168359.2); short protein forms P151S.
Identifiers: ClinVar variation 2656621 (VCV002656621.24), dbSNP rs2532640135, ClinGen allele CA363899518.